The following is an entry in ClinVar:

ClinVar aggregate classification (germline): Uncertain significance (1 of 4 stars; one submission).

Conditions:
Primary ciliary dyskinesia 33. Also called: CILIARY DYSKINESIA, PRIMARY, 33, WITHOUT SITUS INVERSUS. Identifiers: Orphanet 244, MedGen C4225230, MONDO:0014750, OMIM 616726.

gnomAD v4.1: 2 of 1,600,906 alleles (0.00012%); highest among the groups gnomAD compares: Non-Finnish European, 0.00017%; no homozygotes.

Submission:

Labcorp Genetics (formerly Invitae), Labcorp
Classification: Uncertain significance for Primary ciliary dyskinesia 33. Last evaluated: 2026-02-01. Review status: criteria provided, single submitter. Criteria: Invitae Variant Classification Sherloc (09022015). Collection method: clinical testing. Allele origin: germline.
Comment: This sequence change replaces arginine, which is basic and polar, with glycine, which is neutral and non-polar, at codon 404 of the GAS8 protein (p.Arg404Gly). This variant is present in population databases (rs143772256, gnomAD 0.001%). This variant has not been reported in the literature in individuals affected with GAS8-related conditions. Invitae Evidence Modeling of protein sequence and biophysical properties (such as structural, functional, and spatial information, amino acid conservation, physicochemical variation, residue mobility, and thermodynamic stability) indicates that this missense variant is not expected to disrupt GAS8 protein function with a negative predictive value of 80%. In summary, the available evidence is currently insufficient to determine the role of this variant in disease. Therefore, it has been classified as a Variant of Uncertain Significance.

NM_001481.3(DRC4):c.1210C>G (p.Arg404Gly)

Gene: DRC4 (dynein regulatory complex subunit 4; plus strand). Cytogenetic location: 16q24.3.
Variant type: single nucleotide variant.
Coding change: c.1210C>G on transcript NM_001481.3 (MANE Select); coding-DNA position 1210, C replaced by G.
Protein change: p.Arg404Gly; replaces arginine 404 with glycine.
Molecular consequence: missense variant.
Genome position (GRCh38, 1-based): chr16:90,040,498, C>G. VCF-style: chr16-90040498-C-G. GRCh37 (hg19) VCF-style: chr16-90106906-C-G.
Other names: c.961C>G, p.Arg321Gly (NM_001286205.2); c.634C>G, p.Arg212Gly (NM_001286208.2); c.1135C>G, p.Arg379Gly (NM_001286209.2); short protein forms R212G, R321G, R379G, R404G.
Identifiers: ClinVar variation 4788585 (VCV004788585.1).